The following is an entry in ClinVar:

ClinVar aggregate classification (germline): Pathogenic (1 of 4 stars; one submission).

Submission:

Labcorp Genetics (formerly Invitae), Labcorp
Classification: Pathogenic. Last evaluated: 2022-06-28. Review status: criteria provided, single submitter. Criteria: Invitae Variant Classification Sherloc (09022015). Collection method: clinical testing. Allele origin: germline.
Comment: This sequence change creates a premature translational stop signal (p.Ala175Glyfs*72) in the MYO18B gene. It is expected to result in an absent or disrupted protein product. Loss-of-function variants in MYO18B are known to be pathogenic (PMID: 25748484, 32184166, 32637634). This variant is not present in population databases (gnomAD no frequency). This variant has not been reported in the literature in individuals affected with MYO18B-related conditions. Algorithms developed to predict the effect of sequence changes on RNA splicing suggest that this variant may create or strengthen a splice site. For these reasons, this variant has been classified as Pathogenic.

Literature cited by the submitters: PubMed 25748484; PubMed 32184166; PubMed 32637634.

NM_032608.7(MYO18B):c.523_524insGGGGGGGGGGGGGGGGGGGGGGGGGGGGGGGGGGGGGGGGGGGG (p.Ala175fs)

Gene: MYO18B (myosin XVIIIB; plus strand). Cytogenetic location: 22q12.1.
Variant type: Insertion.
Coding change: c.523_524insGGGGGGGGGGGGGGGGGGGGGGGGGGGGGGGGGGGGGGGGGGGG on transcript NM_032608.7 (MANE Select); coding-DNA positions 523 to 524, GGGGGGGGGGGGGGGGGGGGGGGGGGGGGGGGGGGGGGGGGGGG inserted.
Protein change: p.Ala175fs; shifts the reading frame from alanine 175.
Molecular consequence: frameshift variant.
Genome position: GRCh38: chr22:25,768,439-25,768,440. GRCh37 (hg19): chr22:26,164,406-26,164,407.
Other names: c.523_524insGGGGGGGGGGGGGGGGGGGGGGGGGGGGGGGGGGGGGGGGGGGG, p.Ala175fs (NM_001318245.2); short protein forms A175fs.
Identifiers: ClinVar variation 2194676 (VCV002194676.1), dbSNP rs2517652550, ClinGen allele CA2580099315.